The following is an entry in ClinVar:

NM_000440.3(PDE6A):c.718-9dup

Gene: PDE6A (phosphodiesterase 6A; minus strand). Cytogenetic location: 5q32.
Variant type: Duplication.
Coding change: c.718-9dup on transcript NM_000440.3 (MANE Select); 9 bases into the intron before coding-DNA position 718, one base duplicated (T; older notation c.718-9dupT).
Molecular consequence: intron variant.
Genome position (GRCh38, 1-based): chr5:149,931,172, A duplicated on the plus strand (T on the coding strand, the reverse complement: PDE6A is on the minus strand); the first of 6 consecutive A bases (chr5:149,931,172-149,931,177); duplicating any one gives the same sequence. VCF-style (leftmost placement, unchanged base first): chr5-149931171-G-GA. GRCh37 (hg19) VCF-style: chr5-149310734-G-GA.
Identifiers: ClinVar variation 790452 (VCV000790452.38), dbSNP rs575263004, ClinGen allele CA3504960.

ClinVar aggregate classification (germline): Benign/Likely benign. Review status: criteria provided, multiple submitters, no conflicts (2 of 4 stars). 5 submissions from 5 submitters: Benign (1); Likely benign (2). 2 of the submissions do not count toward it. Last evaluated 2026-08-01.

Submissions (5):

CeGaT Center for Human Genetics Tuebingen
Classification: Likely benign. Last evaluated: 2026-08-01. Review status: criteria provided, single submitter. Criteria: CeGaT Center For Human Genetics Tuebingen Variant Classification Criteria Version 2. Collection method: clinical testing. Allele origin: germline. Affected: yes. Observed: 5 variant alleles.
Comment: PDE6A: BP4, BS2

Labcorp Genetics (formerly Invitae), Labcorp
Classification: Benign. Last evaluated: 2026-01-26. Review status: criteria provided, single submitter. Criteria: Invitae Variant Classification Sherloc (09022015). Collection method: clinical testing. Allele origin: germline.

Blueprint Genetics
Classification: Likely benign. Last evaluated: 2024-11-26. Review status: criteria provided, single submitter. Criteria: ACMG Guidelines, 2015. Collection method: clinical testing. Allele origin: germline.

Clinical Genetics DNA and cytogenetics Diagnostics Lab, Erasmus MC, Erasmus Medical Center
Classification: Likely benign. Review status: no assertion criteria provided. Collection method: clinical testing. Allele origin: germline. Affected: yes. Study: VKGL Data-share Consensus. Not counted in ClinVar's aggregate classification.

Clinical Genetics, Academic Medical Center
Classification: Likely benign. Review status: no assertion criteria provided. Collection method: clinical testing. Allele origin: germline. Affected: yes. Study: VKGL Data-share Consensus. Not counted in ClinVar's aggregate classification.